The following is an entry in ClinVar:

ClinVar aggregate classification (germline): Uncertain significance (1 of 4 stars; one submission).

Submission:

Ambry Genetics
Classification: Uncertain significance. Last evaluated: 2022-12-05. Review status: criteria provided, single submitter. Criteria: Ambry Variant Classification Scheme 2023. Collection method: clinical testing. Allele origin: germline.
Comment: The p.Q1876K variant (also known as c.5626C>A), located in coding exon 16 of the POLQ gene, results from a C to A substitution at nucleotide position 5626. The glutamine at codon 1876 is replaced by lysine, an amino acid with similar properties. This amino acid position is conserved. In addition, this alteration is predicted to be tolerated by in silico analysis. Since supporting evidence is limited at this time, the clinical significance of this alteration remains unclear.

NM_199420.4(POLQ):c.5626C>A (p.Gln1876Lys)

Gene: POLQ (DNA polymerase theta; minus strand). Cytogenetic location: 3q13.33.
Variant type: single nucleotide variant.
Coding change: c.5626C>A on transcript NM_199420.4 (MANE Select); coding-DNA position 5626, C replaced by A.
Protein change: p.Gln1876Lys; replaces glutamine 1876 with lysine.
Molecular consequence: missense variant.
Genome position (GRCh38, 1-based): chr3:121,487,305, G>T on the plus strand (C>A on the coding strand, the complement: POLQ is on the minus strand). VCF-style: chr3-121487305-G-T. GRCh37 (hg19) VCF-style: chr3-121206152-G-T.
Other names: short protein forms Q1876K.
Identifiers: ClinVar variation 2448927 (VCV002448927.2), dbSNP rs1342693929, ClinGen allele CA354089767.